The following is an entry in ClinVar:

ClinVar aggregate classification (germline): Pathogenic (1 of 4 stars; one submission).

Conditions:
Glycogen storage disease type III (GSD3). Also called: FORBES DISEASE; Cori disease. Identifiers: Orphanet 366, MedGen C0017922, MONDO:0009291, OMIM 232400.

Submission:

Labcorp Genetics (formerly Invitae), Labcorp
Classification: Pathogenic for Glycogen storage disease type III. Last evaluated: 2025-04-21. Review status: criteria provided, single submitter. Criteria: Invitae Variant Classification Sherloc (09022015). Collection method: clinical testing. Allele origin: germline.
Comment: This sequence change creates a premature translational stop signal (p.Gln833Phefs*4) in the AGL gene. It is expected to result in an absent or disrupted protein product. Loss-of-function variants in AGL are known to be pathogenic (PMID: 19299494). This variant is not present in population databases (gnomAD no frequency). This variant has not been reported in the literature in individuals affected with AGL-related conditions. Algorithms developed to predict the effect of sequence changes on RNA splicing suggest that this variant may disrupt the consensus splice site. For these reasons, this variant has been classified as Pathogenic.

Literature cited by the submitters: PubMed 19299494.

NM_000642.3(AGL):c.2494_2495dup (p.Gln833fs)

Gene: AGL (amylo-alpha-1,6-glucosidase and 4-alpha-glucanotransferase; plus strand). Cytogenetic location: 1p21.2.
Variant type: Microsatellite.
Coding change: c.2494_2495dup on transcript NM_000642.3 (MANE Select); coding-DNA positions 2494 to 2495, 2 bases duplicated (AT; older notation c.2494_2495dupAT).
Protein change: p.Gln833fs; shifts the reading frame from glutamine 833.
Molecular consequence: frameshift variant.
Genome position (GRCh38, 1-based): chr1:99,884,399-99,884,400, AT duplicated; duplicating any 2 consecutive bases within chr1:99,884,395-99,884,400 gives the same sequence; the c. name uses the placement nearest the transcript's 3' end. VCF-style (leftmost placement, unchanged base first): chr1-99884394-A-AAT. GRCh37 (hg19) VCF-style: chr1-100349950-A-AAT.
Other names: c.2494_2495dup, p.Gln833fs (NM_000028.3, NM_000643.3, NM_000644.3 and 2 more transcripts); c.2446_2447dup, p.Gln817fs (NM_000646.3); c.2293_2294dup, p.Gln766fs (NM_001425327.1); c.2290_2291dup, p.Gln765fs (NM_001425328.1, NM_001425329.1); c.2116_2117dup, p.Gln707fs (NM_001425332.1); short protein forms Q707fs, Q765fs, Q766fs, Q817fs, Q833fs.
Identifiers: ClinVar variation 4809560 (VCV004809560.1).